The following is an entry in ClinVar:

ClinVar aggregate classification (germline): Uncertain significance. Review status: criteria provided, multiple submitters, no conflicts (2 of 4 stars). 2 submissions from 2 submitters: Uncertain significance (2). Last evaluated 2022-01-26.

Conditions:
Charcot-Marie-Tooth disease type 2. Also called: Charcot-Marie-Tooth type 2. Identifiers: Orphanet 64746, MedGen C0270914, MONDO:0018993.

Allele frequency attached by ClinVar (database versions not stated): TOPMed 0.00002.
gnomAD v4.1: 7 of 1,613,568 alleles (0.00043%); highest among the groups gnomAD compares: Non-Finnish European, 0.00059%; no homozygotes.

Submissions (2):

Labcorp Genetics (formerly Invitae), Labcorp
Classification: Uncertain significance for Charcot-Marie-Tooth disease type 2. Last evaluated: 2022-01-26. Review status: criteria provided, single submitter. Criteria: Invitae Variant Classification Sherloc (09022015). Collection method: clinical testing. Allele origin: germline.
Comment: This sequence change replaces serine, which is neutral and polar, with threonine, which is neutral and polar, at codon 241 of the GARS protein (p.Ser241Thr). In summary, the available evidence is currently insufficient to determine the role of this variant in disease. Therefore, it has been classified as a Variant of Uncertain Significance. Algorithms developed to predict the effect of missense changes on protein structure and function (SIFT, PolyPhen-2, Align-GVGD) all suggest that this variant is likely to be tolerated. ClinVar contains an entry for this variant (Variation ID: 942894). This missense change has been observed in individual(s) with clinical features of Charcot-Marie-Tooth disease (PMID: 32376792; Invitae). This variant is not present in population databases (gnomAD no frequency).

Ambry Genetics
Classification: Uncertain significance. Last evaluated: 2020-02-11. Review status: criteria provided, single submitter. Criteria: Ambry Variant Classification Scheme 2023. Collection method: clinical testing. Allele origin: germline.
Comment: The p.S241T variant (also known as c.722G>C), located in coding exon 6 of the GARS gene, results from a G to C substitution at nucleotide position 722. The serine at codon 241 is replaced by threonine, an amino acid with similar properties. This amino acid position is not well conserved in available vertebrate species. In addition, this alteration is predicted to be tolerated by in silico analysis. Since supporting evidence is limited at this time, the clinical significance of this alteration remains unclear.

Literature cited by the submitters: PubMed 32376792 (cited by Labcorp Genetics (formerly Invitae), Labcorp).

NM_002047.4(GARS1):c.722G>C (p.Ser241Thr)

Gene: GARS1 (glycyl-tRNA synthetase 1; plus strand). Cytogenetic location: 7p14.3.
Variant type: single nucleotide variant.
Coding change: c.722G>C on transcript NM_002047.4 (MANE Select); coding-DNA position 722, G replaced by C.
Protein change: p.Ser241Thr; replaces serine 241 with threonine.
Molecular consequence: missense variant.
Genome position (GRCh38, 1-based): chr7:30,603,559, G>C. VCF-style: chr7-30603559-G-C. GRCh37 (hg19) VCF-style: chr7-30643175-G-C.
Other names: c.560G>C, p.Ser187Thr (NM_001316772.1); short protein forms S241T, S187T.
Identifiers: ClinVar variation 942894 (VCV000942894.11), dbSNP rs775140242, ClinGen allele CA156101202.